The following is an entry in ClinVar:

ClinVar aggregate classification (germline): Uncertain significance (1 of 4 stars; one submission).

gnomAD v4.1: 6 of 1,613,738 alleles (0.00037%); highest among the groups gnomAD compares: African/African-American, 0.0013%; no homozygotes.

Submission:

Labcorp Genetics (formerly Invitae), Labcorp
Classification: Uncertain significance. Last evaluated: 2025-04-21. Review status: criteria provided, single submitter. Criteria: Invitae Variant Classification Sherloc (09022015). Collection method: clinical testing. Allele origin: germline.
Comment: This sequence change replaces arginine, which is basic and polar, with lysine, which is basic and polar, at codon 1280 of the SETD5 protein (p.Arg1280Lys). This variant is present in population databases (no rsID available, gnomAD 0.0009%). This variant has not been reported in the literature in individuals affected with SETD5-related conditions. Invitae Evidence Modeling of protein sequence and biophysical properties (such as structural, functional, and spatial information, amino acid conservation, physicochemical variation, residue mobility, and thermodynamic stability) indicates that this missense variant is not expected to disrupt SETD5 protein function with a negative predictive value of 80%. In summary, the available evidence is currently insufficient to determine the role of this variant in disease. Therefore, it has been classified as a Variant of Uncertain Significance.

NM_001080517.3(SETD5):c.3839G>A (p.Arg1280Lys)

Gene: SETD5 (SET domain containing 5; plus strand). Cytogenetic location: 3p25.3.
Variant type: single nucleotide variant.
Coding change: c.3839G>A on transcript NM_001080517.3 (MANE Select); coding-DNA position 3839, G replaced by A.
Protein change: p.Arg1280Lys; replaces arginine 1280 with lysine.
Molecular consequence: missense variant.
Genome position (GRCh38, 1-based): chr3:9,475,601, G>A. VCF-style: chr3-9475601-G-A. GRCh37 (hg19) VCF-style: chr3-9517285-G-A.
Other names: c.3545G>A, p.Arg1182Lys (NM_001292043.2, NM_001349451.2); c.3935G>A, p.Arg1312Lys (NM_001437633.1); c.3953G>A, p.Arg1318Lys (NM_001437635.1); c.3896G>A, p.Arg1299Lys (NM_001437643.1); c.3878G>A, p.Arg1293Lys (NM_001437701.1); short protein forms R1182K, R1280K, R1293K, R1312K, R1318K, R1299K.
Identifiers: ClinVar variation 4702303 (VCV004702303.1).